The following is an entry in ClinVar:

ClinVar aggregate classification (germline): Benign. Review status: criteria provided, single submitter (1 of 4 stars). 2 submissions from 2 submitters: Benign (1). 1 of the submissions does not count toward it. Last evaluated 2026-01-25.

Conditions:
IFT74-related disorder. Also called: IFT74-Related Disorders; IFT74-related condition.

Allele frequency attached by ClinVar (database versions not stated): ExAC 0.00165; gnomAD 0.00427; TOPMed 0.00499; 1000 Genomes Project 30x 0.00625; 1000 Genomes Project 0.00639; ESP Exome Variant Server 0.00749.
gnomAD v4.1: 1,329 of 1,590,868 alleles (0.084%); highest among the groups gnomAD compares: African/African-American, 1.6%; 9 homozygotes.

Submissions (8):

Labcorp Genetics (formerly Invitae), Labcorp
Classification: Benign. Last evaluated: 2026-01-25. Review status: criteria provided, single submitter. Criteria: Invitae Variant Classification Sherloc (09022015). Collection method: clinical testing. Allele origin: germline.

PreventionGenetics, part of Exact Sciences
Classification: Benign for IFT74-related condition. Last evaluated: 2019-06-11. Review status: no assertion criteria provided. Collection method: clinical testing. Allele origin: germline. Not counted in ClinVar's aggregate classification.
Comment: This variant is classified as benign based on ACMG/AMP sequence variant interpretation guidelines (Richards et al. 2015 PMID: 25741868, with internal and published modifications).

Dr. Peter K. Rogan Lab, Western University
No classification provided (evidence only). Condition: Colon adenocarcinoma. Review status: no classification provided. Collection method: in vitro. Allele origin: not applicable. Functional consequence: retained intron. Not counted in ClinVar's aggregate classification.

Dr. Peter K. Rogan Lab, Western University
No classification provided (evidence only). Condition: Uterine corpus endometrial carcinoma. Review status: no classification provided. Collection method: in vitro. Allele origin: not applicable. Functional consequence: retained intron. Not counted in ClinVar's aggregate classification.

Dr. Peter K. Rogan Lab, Western University
No classification provided (evidence only). Condition: Uterine corpus endometrial carcinoma. Review status: no classification provided. Collection method: in vitro. Allele origin: not applicable. Functional consequence: skipped exon, retained intron. Not counted in ClinVar's aggregate classification.

Dr. Peter K. Rogan Lab, Western University
No classification provided (evidence only). Condition: Uterine corpus endometrial carcinoma. Review status: no classification provided. Collection method: in vitro. Allele origin: not applicable. Functional consequence: skipped exon, retained intron. Not counted in ClinVar's aggregate classification.

Dr. Peter K. Rogan Lab, Western University
No classification provided (evidence only). Condition: Cervical cancer. Review status: no classification provided. Collection method: in vitro. Allele origin: not applicable. Functional consequence: retained intron. Not counted in ClinVar's aggregate classification.

Dr. Peter K. Rogan Lab, Western University
No classification provided (evidence only). Condition: Gastric cancer. Review status: no classification provided. Collection method: in vitro. Allele origin: not applicable. Functional consequence: retained intron. Not counted in ClinVar's aggregate classification.

NM_025103.4(IFT74):c.1054+3A>T

Gene: IFT74 (intraflagellar transport 74; plus strand). Cytogenetic location: 9p21.2.
Variant type: single nucleotide variant.
Coding change: c.1054+3A>T on transcript NM_025103.4 (MANE Select); 3 bases into the intron after coding-DNA position 1054, A replaced by T.
Molecular consequence: intron variant.
Genome position (GRCh38, 1-based): chr9:27,029,107, A>T. VCF-style: chr9-27029107-A-T. GRCh37 (hg19) VCF-style: chr9-27029105-A-T.
Other names: c.1054+3A>T (NM_025103.2, NM_001099223.3, NM_001099222.3 and 2 more transcripts).
Identifiers: ClinVar variation 776416 (VCV000776416.12), dbSNP rs73436090, ClinGen allele CA5015491.